The following is an entry in ClinVar:

NM_000264.5(PTCH1):c.875T>G (p.Met292Arg)

Gene: PTCH1 (patched 1; minus strand). Cytogenetic location: 9q22.32.
Variant type: single nucleotide variant.
Coding change: c.875T>G on transcript NM_000264.5 (MANE Select); coding-DNA position 875, T replaced by G.
Protein change: p.Met292Arg; replaces methionine 292 with arginine.
Molecular consequence: missense variant. On other transcripts: non-coding transcript variant (1).
Genome position (GRCh38, 1-based): chr9:95,480,460, A>C on the plus strand (T>G on the coding strand, the complement: PTCH1 is on the minus strand). VCF-style: chr9-95480460-A-C. GRCh37 (hg19) VCF-style: chr9-98242742-A-C.
Other names: c.677T>G, p.Met226Arg (NM_001083602.3); c.872T>G, p.Met291Arg (NM_001083603.3); c.422T>G, p.Met141Arg (NM_001083604.3, NM_001083605.3, NM_001083606.3 and 1 more transcripts); c.875T>G, p.Met292Arg (NM_001354918.2); short protein forms M226R, M291R, M292R, M141R.
Identifiers: ClinVar variation 4842295 (VCV004842295.1).

ClinVar aggregate classification (germline): Uncertain significance (1 of 4 stars; one submission).

Conditions:
Hereditary cancer-predisposing syndrome. Also called: Neoplastic Syndromes, Hereditary; Tumor predisposition; Hereditary Cancer Syndrome; Hereditary neoplastic syndrome. Identifiers: Orphanet 140162, MedGen C0027672, MeSH D009386, MONDO:0015356.

gnomAD v4.1: 1 of 1,612,186 alleles (0.000062%); no homozygotes.

Submission:

Ambry Genetics
Classification: Uncertain significance for Hereditary cancer-predisposing syndrome. Last evaluated: 2026-01-23. Review status: criteria provided, single submitter. Criteria: Ambry Variant Classification Scheme 2023. Collection method: clinical testing. Allele origin: germline.
Comment: The p.M292R variant (also known as c.875T>G), located in coding exon 6 of the PTCH1 gene, results from a T to G substitution at nucleotide position 875. The methionine at codon 292 is replaced by arginine, an amino acid with similar properties. This amino acid position is highly conserved in available vertebrate species. In addition, this alteration is predicted to be deleterious by in silico analysis. Based on the available evidence, the clinical significance of this variant remains unclear.